The following is an entry in ClinVar:

ClinVar aggregate classification (germline): Conflicting classifications of pathogenicity. Review status: criteria provided, conflicting classifications (1 of 4 stars). 6 submissions from 6 submitters: Uncertain significance (5); Benign (1). Last evaluated 2025-05-22.

Conditions:
KMT2D-related disorder. Also called: KMT2D-Related Disorders.
Kabuki syndrome. Also called: NIIKAWA-KUROKI SYNDROME; Kabuki make-up syndrome. Identifiers: Orphanet 2322, MedGen C0796004, MONDO:0016512.
Kabuki syndrome 1 (KABUK1). Also called: KMT2D-Related Kabuki Syndrome. Identifiers: Orphanet 2322, MedGen CN030661, MONDO:0007843, OMIM 147920.
Choanal atresia-athelia-hypothyroidism-delayed puberty-short stature syndrome (BCAHH). Also called: BRANCHIAL ARCH ABNORMALITIES, CHOANAL ATRESIA, ATHELIA, HEARING LOSS, AND HYPOTHYROIDISM SYNDROME. Identifiers: Orphanet 589856, MedGen C5680310, MONDO:0035651, OMIM 620186.
Inborn genetic diseases. Identifiers: MedGen C0950123, MeSH D030342.

Allele frequency attached by ClinVar (database versions not stated): TOPMed below 0.00001; gnomAD 0.00001.
gnomAD v4.1: 2 of 1,529,578 alleles (0.00013%); highest among the groups gnomAD compares: African/African-American, 0.0014%; no homozygotes.

Submissions (6):

PreventionGenetics, part of Exact Sciences
Classification: Uncertain significance for KMT2D-related condition. Last evaluated: 2025-05-22. Review status: criteria provided, single submitter. Criteria: ACMG Guidelines, 2015. Collection method: clinical testing. Allele origin: germline.
Comment: The KMT2D c.6466C>G variant is predicted to result in the amino acid substitution p.Pro2156Ala. To our knowledge, this variant has not been reported in the literature. This variant is reported in 0.0050% of alleles in individuals of African descent in gnomAD. At this time, the clinical significance of this variant is uncertain due to the absence of conclusive functional and genetic evidence.

Labcorp Genetics (formerly Invitae), Labcorp
Classification: Benign for Kabuki syndrome. Last evaluated: 2025-04-17. Review status: criteria provided, single submitter. Criteria: Invitae Variant Classification Sherloc (09022015). Collection method: clinical testing. Allele origin: germline.

Fulgent Genetics
Classification: Uncertain significance for Kabuki syndrome 1; Choanal atresia-athelia-hypothyroidism-delayed puberty-short stature syndrome. Last evaluated: 2024-03-17. Review status: criteria provided, single submitter. Criteria: ACMG Guidelines, 2015. Collection method: clinical testing. Allele origin: germline.

Ambry Genetics
Classification: Uncertain significance for Inborn genetic diseases. Last evaluated: 2024-02-12. Review status: criteria provided, single submitter. Criteria: Ambry Variant Classification Scheme 2023. Collection method: clinical testing. Allele origin: germline.

GeneDx
Classification: Uncertain significance. Last evaluated: 2023-03-27. Review status: criteria provided, single submitter. Criteria: GeneDx Variant Classification Process June 2021. Collection method: clinical testing. Allele origin: germline. Affected: yes.
Comment: In silico analysis supports that this missense variant has a deleterious effect on protein structure/function; Has not been previously published as pathogenic or benign to our knowledge

Revvity Omics, Revvity
Classification: Uncertain significance. Last evaluated: 2021-04-20. Review status: criteria provided, single submitter. Criteria: ACMG Guidelines, 2015. Collection method: clinical testing. Allele origin: germline.

NM_003482.4(KMT2D):c.6466C>G (p.Pro2156Ala)

Gene: KMT2D (lysine methyltransferase 2D; minus strand). Cytogenetic location: 12q13.12.
Variant type: single nucleotide variant.
Coding change: c.6466C>G on transcript NM_003482.4 (MANE Select); coding-DNA position 6466, C replaced by G.
Protein change: p.Pro2156Ala; replaces proline 2156 with alanine.
Molecular consequence: missense variant.
Genome position (GRCh38, 1-based): chr12:49,041,304, G>C on the plus strand (C>G on the coding strand, the complement: KMT2D is on the minus strand). VCF-style: chr12-49041304-G-C. GRCh37 (hg19) VCF-style: chr12-49435087-G-C.
Other names: short protein forms P2156A.
Identifiers: ClinVar variation 2433245 (VCV002433245.11), dbSNP rs747014712, ClinGen allele CA6547260.